The following is an entry in ClinVar:

NM_000255.4(MMUT):c.2089A>T (p.Ile697Phe)

Gene: MMUT (methylmalonyl-CoA mutase; minus strand). Cytogenetic location: 6p12.3.
Variant type: single nucleotide variant.
Coding change: c.2089A>T on transcript NM_000255.4 (MANE Select); coding-DNA position 2089, A replaced by T.
Protein change: p.Ile697Phe; replaces isoleucine 697 with phenylalanine.
Molecular consequence: missense variant.
Genome position (GRCh38, 1-based): chr6:49,435,491, T>A on the plus strand (A>T on the coding strand, the complement: MMUT is on the minus strand). VCF-style: chr6-49435491-T-A. GRCh37 (hg19) VCF-style: chr6-49403204-T-A.
Other names: short protein forms I697F.
Identifiers: ClinVar variation 4688568 (VCV004688568.1).

ClinVar aggregate classification (germline): Uncertain significance (1 of 4 stars; one submission).

Submission:

Women's Health and Genetics/Laboratory Corporation of America, LabCorp
Classification: Uncertain significance. Last evaluated: 2025-12-04. Review status: criteria provided, single submitter. Criteria: LabCorp Variant Classification Summary - May 2015. Collection method: clinical testing. Allele origin: germline.
Comment: Variant summary: MMUT c.2089A>T (p.Ile697Phe) results in a non-conservative amino acid change in the encoded protein sequence. Algorithms developed to predict the effect of missense changes on protein structure and function all suggest that this variant is likely to be disruptive. The variant was absent in 251390 control chromosomes. The available data on variant occurrences in the general population are insufficient to allow any conclusion about variant significance. To our knowledge, no occurrence of c.2089A>T in individuals affected with MMUT-related conditions and no experimental evidence demonstrating its impact on protein function have been reported. No submitters have cited clinical-significance assessments for this variant to ClinVar. Based on the evidence outlined above, the variant was classified as uncertain significance.